The following is an entry in ClinVar:

NM_001035.3(RYR2):c.4360G>C (p.Asp1454His)

Gene: RYR2 (ryanodine receptor 2; plus strand). Cytogenetic location: 1q43.
Variant type: single nucleotide variant.
Coding change: c.4360G>C on transcript NM_001035.3 (MANE Select); coding-DNA position 4360, G replaced by C.
Protein change: p.Asp1454His; replaces aspartic acid 1454 with histidine.
Molecular consequence: missense variant.
Genome position (GRCh38, 1-based): chr1:237,593,560, G>C. VCF-style: chr1-237593560-G-C. GRCh37 (hg19) VCF-style: chr1-237756860-G-C.
Other names: short protein forms D1454H.
Identifiers: ClinVar variation 3069832 (VCV003069832.2), dbSNP rs2546638655, ClinGen allele CA345399862.

ClinVar aggregate classification (germline): Uncertain significance. Review status: criteria provided, multiple submitters, no conflicts (2 of 4 stars). 2 submissions from 2 submitters: Uncertain significance (2). Last evaluated 2025-08-25.

Conditions:
Cardiomyopathy (CMYO). Also called: Cardiomyopathies. Identifiers: Orphanet 167848, MedGen C0878544, MONDO:0004994, HP:0001638. Inheritance: Various modes of inheritance.
Catecholaminergic polymorphic ventricular tachycardia (CVPT). Also called: Catecholamine-induced polymorphic ventricular tachycardia. Identifiers: Orphanet 3286, MedGen C5574922, MONDO:0017990.

Submissions (2):

Color Diagnostics, LLC DBA Color Health
Classification: Uncertain significance for Cardiomyopathy. Last evaluated: 2025-08-25. Review status: criteria provided, single submitter. Criteria: ACMG Guidelines, 2015. Collection method: clinical testing. Allele origin: germline.
Comment: This missense variant replaces aspartic acid with histidine at codon 1454 of the RYR2 protein. Computational prediction is inconclusive regarding the impact of this variant on protein structure and function. To our knowledge, functional studies have not been reported for this variant. This variant has not been reported in individuals affected with RYR2-related disorders in the literature. This variant has not been identified in the general population by the Genome Aggregation Database (gnomAD). The available evidence is insufficient to determine the role of this variant in disease conclusively. Therefore, this variant is classified as a Variant of Uncertain Significance.

All of Us Research Program, National Institutes of Health
Classification: Uncertain significance for Catecholaminergic polymorphic ventricular tachycardia. Last evaluated: 2023-03-09. Review status: criteria provided, single submitter. Criteria: ACMG Guidelines, 2015. Collection method: clinical testing. Allele origin: germline. Inheritance: Autosomal dominant inheritance. Observed: 1 variant allele, 1 heterozygote.
Comment: This missense variant replaces aspartic acid with histidine at codon 1454 of the RYR2 protein. Computational prediction is inconclusive regarding the impact of this variant on protein structure and function (internally defined REVEL score threshold 0.5 < inconclusive < 0.7, PMID: 27666373). To our knowledge, functional studies have not been reported for this variant. This variant has not been reported in individuals affected with RYR2-related disorders in the literature. This variant has not been identified in the general population by the Genome Aggregation Database (gnomAD). The available evidence is insufficient to determine the role of this variant in disease conclusively. Therefore, this variant is classified as a Variant of Uncertain Significance.

This study involves interpretation of variants in research participants for the purpose of population health screening. Participant phenotype was not available at the time of variant classification. Additional details can be found in publication PMID: 35346344, PMCID: PMC8962531